The following is an entry in ClinVar:

ClinVar aggregate classification (germline): Likely benign (1 of 4 stars; one submission).

Allele frequency attached by ClinVar (database versions not stated): gnomAD exomes below 0.00001.
gnomAD v4.1: 2 of 1,205,791 alleles (0.00017%); highest among the groups gnomAD compares: Non-Finnish European, 0.00011%; no homozygotes.

Submission:

CeGaT Center for Human Genetics Tuebingen
Classification: Likely benign. Last evaluated: 2022-10-01. Review status: criteria provided, single submitter. Criteria: CeGaT Center For Human Genetics Tuebingen Variant Classification Criteria Version 2. Collection method: clinical testing. Allele origin: germline. Affected: yes. Observed: 1 variant allele.
Comment: ACSL4: BP4, BP7

NM_001318510.2(ACSL4):c.1623T>C (p.Tyr541=)

Gene: ACSL4 (acyl-CoA synthetase long chain family member 4; minus strand). Cytogenetic location: Xq23.
Variant type: single nucleotide variant.
Coding change: c.1623T>C on transcript NM_001318510.2 (MANE Select); coding-DNA position 1623, T replaced by C.
Protein change: p.Tyr541=; no amino-acid change (tyrosine 541 retained).
Molecular consequence: synonymous variant.
Genome position (GRCh38, 1-based): chrX:109,661,605, A>G on the plus strand (T>C on the coding strand, the complement: ACSL4 is on the minus strand). VCF-style: chrX-109661605-A-G. GRCh37 (hg19) VCF-style: chrX-108904834-A-G.
Other names: c.1746T>C, p.Tyr582= (NM_001318509.2, NM_022977.3); c.1623T>C, p.Tyr541= (NM_004458.3).
Identifiers: ClinVar variation 2661180 (VCV002661180.24), dbSNP rs1232410728, ClinGen allele CA518003937.